The following is an entry in ClinVar:

NM_032043.3(BRIP1):c.137G>A (p.Ser46Asn)

Gene: BRIP1 (BRCA1 interacting DNA helicase 1; minus strand). Cytogenetic location: 17q23.2.
Variant type: single nucleotide variant.
Coding change: c.137G>A on transcript NM_032043.3 (MANE Select); coding-DNA position 137, G replaced by A.
Protein change: p.Ser46Asn; replaces serine 46 with asparagine.
Molecular consequence: missense variant.
Genome position (GRCh38, 1-based): chr17:61,859,864, C>T on the plus strand (G>A on the coding strand, the complement: BRIP1 is on the minus strand). VCF-style: chr17-61859864-C-T. GRCh37 (hg19) VCF-style: chr17-59937225-C-T.
Other names: short protein forms S46N.
Identifiers: ClinVar variation 580235 (VCV000580235.12), dbSNP rs1567877002, ClinGen allele CA400485789.

ClinVar aggregate classification (germline): Uncertain significance. Review status: criteria provided, multiple submitters, no conflicts (2 of 4 stars). 2 submissions from 2 submitters: Uncertain significance (2). Last evaluated 2026-04-26.

Conditions:
Hereditary cancer-predisposing syndrome. Also called: Tumor predisposition; Hereditary Cancer Syndrome; Neoplastic Syndromes, Hereditary; Hereditary neoplastic syndrome. Identifiers: Orphanet 140162, MedGen C0027672, MeSH D009386, MONDO:0015356.
Fanconi anemia complementation group J. Also called: BRIP1-Related Fanconi Anemia. Identifiers: Orphanet 84, MedGen C1836860, MONDO:0012187, OMIM 609054.
Familial cancer of breast. Also called: hereditary breast carcinoma; Hereditary breast cancer; BREAST CANCER, FAMILIAL. Identifiers: Orphanet 227535, MedGen C0346153, MONDO:0016419, OMIM 114480. Disease mechanism: loss of function.

Submissions (2):

Ambry Genetics
Classification: Uncertain significance for Hereditary cancer-predisposing syndrome. Last evaluated: 2026-04-26. Review status: criteria provided, single submitter. Criteria: Ambry Variant Classification Scheme 2023. Collection method: clinical testing. Allele origin: germline.
Comment: The p.S46N variant (also known as c.137G>A), located in coding exon 2 of the BRIP1 gene, results from a G to A substitution at nucleotide position 137. The serine at codon 46 is replaced by asparagine, an amino acid with highly similar properties. This amino acid position is conserved. In addition, the in silico prediction for this alteration is inconclusive. Based on the available evidence, the clinical significance of this variant remains unclear.

Labcorp Genetics (formerly Invitae), Labcorp
Classification: Uncertain significance for Familial cancer of breast; Fanconi anemia complementation group J. Last evaluated: 2020-04-03. Review status: criteria provided, single submitter. Criteria: Invitae Variant Classification Sherloc (09022015). Collection method: clinical testing. Allele origin: germline.
Comment: In summary, the available evidence is currently insufficient to determine the role of this variant in disease. Therefore, it has been classified as a Variant of Uncertain Significance. Algorithms developed to predict the effect of missense changes on protein structure and function (SIFT, PolyPhen-2, Align-GVGD) all suggest that this variant is likely to be disruptive, but these predictions have not been confirmed by published functional studies and their clinical significance is uncertain. This variant has not been reported in the literature in individuals with BRIP1-related conditions. ClinVar contains an entry for this variant (Variation ID: 580235). This variant is not present in population databases (ExAC no frequency). This sequence change replaces serine with asparagine at codon 46 of the BRIP1 protein (p.Ser46Asn). The serine residue is highly conserved and there is a small physicochemical difference between serine and asparagine.